The following is an entry in ClinVar:

NM_007294.4(BRCA1):c.5074+2T>A

Gene: BRCA1 (BRCA1 DNA repair associated; minus strand). Cytogenetic location: 17q21.31.
Variant type: single nucleotide variant.
Coding change: c.5074+2T>A on transcript NM_007294.4 (MANE Select); the canonical splice donor site of the intron after coding-DNA position 5074, T replaced by A.
Molecular consequence: splice donor variant. On other transcripts: intron variant (1).
Genome position (GRCh38, 1-based): chr17:43,067,606, A>T on the plus strand (T>A on the coding strand, the complement: BRCA1 is on the minus strand). VCF-style: chr17-43067606-A-T. GRCh37 (hg19) VCF-style: chr17-41219623-A-T.
Other names: c.4927+2T>A (NM_001407853.1, NM_001407838.1, NM_001407852.1 and 12 more transcripts); c.1498+2T>A (NM_001408502.1, NM_001408504.1, NM_001408503.1); c.4738+2T>A (NM_001407951.1, NM_001407955.1, NM_001407954.1 and 3 more transcripts); c.4741+2T>A (NM_001407946.1, NM_001407948.1, NM_001407947.1 and 1 more transcripts); c.1552+2T>A (NM_001408489.1, NM_001408483.1, NM_001408490.1 and 5 more transcripts); c.1555+2T>A (NM_001408479.1, NM_001408478.1, NM_001408480.1); c.4861+2T>A (NM_001407910.1, NM_001407904.1, NM_001407895.1 and 12 more transcripts); c.4864+2T>A (NM_001407884.1, NM_001407879.1, NM_001407882.1 and 5 more transcripts); and 71 more.
Identifiers: ClinVar variation 644935 (VCV000644935.16), dbSNP rs80358089, ClinGen allele CA10591375.
Genomic context (GRCh38, chr17:43,067,606, plus strand): 5'-GCCTCGCCTCATGTGGTTTTATGCAGCAGATGCAAGGTATTCTGTAAAGGTTCTTGGTAT[A>T]CCTGTTTTCATAACAACATGAGTAGTCTCTTCAGTAATTAGATTAGTTAAAGTGATGTGG-3'

ClinVar aggregate classification (germline): Pathogenic. Review status: criteria provided, multiple submitters, no conflicts (2 of 4 stars). 3 submissions from 3 submitters: Pathogenic (3). Last evaluated 2024-08-07.

Conditions:
Hereditary cancer-predisposing syndrome. Also called: Hereditary neoplastic syndrome; Tumor predisposition; Hereditary Cancer Syndrome; Neoplastic Syndromes, Hereditary. Identifiers: Orphanet 140162, MedGen C0027672, MeSH D009386, MONDO:0015356.
Hereditary breast ovarian cancer syndrome. Also called: Hereditary breast and ovarian cancer syndrome (HBOC); Hereditary breast and ovarian cancer; BRCA1- and BRCA2-Associated Hereditary Breast and Ovarian Cancer; Breast and ovarian cancer; Hereditary breast and ovarian cancer syndrome; Hereditary breast and/or ovarian cancer syndrome. Identifiers: Orphanet 145, MedGen C0677776, MeSH D061325, MONDO:0003582. Disease mechanism: loss of function.

Submissions (4):

Color Diagnostics, LLC DBA Color Health
Classification: Pathogenic for Hereditary cancer-predisposing syndrome. Last evaluated: 2024-08-07. Review status: criteria provided, single submitter. Criteria: ACMG Guidelines, 2015. Collection method: clinical testing. Allele origin: germline.
Comment: This variant causes a T to A nucleotide substitution at the +2 position of intron 16 of the BRCA1 gene. Splice site prediction tools suggest that this variant may have a significant impact on RNA splicing. Similar substitutions at the intron 16 canonical donor site +1 and +2 positions have been shown by RNA studies to cause splicing defects introducing a premature termination codon or in-frame deletion of the functionally important BRCT domain (PMID: 15345110, 24667779, 30159786). A functional study has reported that this variant has an intermediate impact on BRCA1 function in a haploid cell proliferation assay (PMID: 30209399). This variant has been reported in individual affected with breast cancer (PMID: 28975465). This variant has not been identified in the general population by the Genome Aggregation Database (gnomAD). Loss of BRCA1 function is a known mechanism of disease. Based on the available evidence, this variant is classified as Pathogenic.

Labcorp Genetics (formerly Invitae), Labcorp
Classification: Pathogenic for Hereditary breast ovarian cancer syndrome. Last evaluated: 2022-11-15. Review status: criteria provided, single submitter. Criteria: Invitae Variant Classification Sherloc (09022015). Collection method: clinical testing. Allele origin: germline.
Comment: This sequence change affects a donor splice site in intron 16 of the BRCA1 gene. RNA analysis indicates that disruption of this splice site induces altered splicing and may result in an absent or disrupted protein product. For these reasons, this variant has been classified as Pathogenic. Studies have shown that disruption of this splice site results in abnormal splicing and introduces a premature termination codon (Invitae). The resulting mRNA is expected to undergo nonsense-mediated decay. Based on a multifactorial likelihood algorithm using genetic, in silico, and/or statistical data, this variant has been determined to have a high probability of being pathogenic (PMID: 17924331, 21990134, 31131967). ClinVar contains an entry for this variant (Variation ID: 644935). This variant is also known as c.5074+2A>T. Disruption of this splice site has been observed in individual(s) with breast cancer (PMID: 28975465). This variant is not present in population databases (gnomAD no frequency).

Quest Diagnostics Nichols Institute San Juan Capistrano
Classification: Pathogenic. Last evaluated: 2021-04-02. Review status: criteria provided, single submitter. Criteria: Quest Diagnostics criteria. Collection method: clinical testing. Allele origin: unknown.
Comment: This variant is located in a canonical splice-donor site and interferes with normal BRCA1 mRNA splicing. Assessment of experimental evidence regarding the effect of this variant on protein function is inconclusive (PMID: 30209399 (2018)). This variant has not been reported in large, multi-ethnic general populations. Based on the available information, this variant is classified as pathogenic.

Brotman Baty Institute, University of Washington
No classification provided (evidence only). Condition: Breast-ovarian cancer, familial 1. Review status: no classification provided. Collection method: in vitro. Allele origin: not applicable. Functional consequence: function_uncertain_variant. Not counted in ClinVar's aggregate classification.
ClinVar note: "not provided" was previously submitted as the classification for the variant. However, the classification appeared to be based only on an observation of functional data so it was converted to no classification on 2025-07-30.

Literature cited by the submitters: PubMed 15345110 (cited by Color Diagnostics, LLC DBA Color Health); PubMed 24667779 (cited by Color Diagnostics, LLC DBA Color Health); PubMed 28975465 (cited by Color Diagnostics, LLC DBA Color Health and Labcorp Genetics (formerly Invitae), Labcorp); PubMed 30159786 (cited by Color Diagnostics, LLC DBA Color Health); PubMed 30209399 (cited by Color Diagnostics, LLC DBA Color Health and Quest Diagnostics Nichols Institute San Juan Capistrano); PubMed 17924331 (cited by Labcorp Genetics (formerly Invitae), Labcorp); PubMed 21990134 (cited by Labcorp Genetics (formerly Invitae), Labcorp); PubMed 31131967 (cited by Labcorp Genetics (formerly Invitae), Labcorp).